The following is an entry in ClinVar:

ClinVar aggregate classification (germline): Uncertain significance (1 of 4 stars; one submission).

Submission:

Labcorp Genetics (formerly Invitae), Labcorp
Classification: Uncertain significance. Last evaluated: 2023-12-06. Review status: criteria provided, single submitter. Criteria: Invitae Variant Classification Sherloc (09022015). Collection method: clinical testing. Allele origin: germline.
Comment: This sequence change falls in intron 14 of the GFM1 gene. It does not directly change the encoded amino acid sequence of the GFM1 protein. It affects a nucleotide within the consensus splice site. This variant is not present in population databases (gnomAD no frequency). This variant has not been reported in the literature in individuals affected with GFM1-related conditions. ClinVar contains an entry for this variant (Variation ID: 1437052). Variants that disrupt the consensus splice site are a relatively common cause of aberrant splicing (PMID: 17576681, 9536098). Algorithms developed to predict the effect of sequence changes on RNA splicing suggest that this variant is not likely to affect RNA splicing. In summary, the available evidence is currently insufficient to determine the role of this variant in disease. Therefore, it has been classified as a Variant of Uncertain Significance.

Literature cited by the submitters: PubMed 17576681; PubMed 9536098.

NM_024996.7(GFM1):c.1765-3C>T

Gene: GFM1 (G elongation factor mitochondrial 1; plus strand). Cytogenetic location: 3q25.32.
Variant type: single nucleotide variant.
Coding change: c.1765-3C>T on transcript NM_024996.7 (MANE Select); 3 bases into the intron before coding-DNA position 1765, C replaced by T.
Molecular consequence: intron variant.
Genome position (GRCh38, 1-based): chr3:158,684,521, C>T. VCF-style: chr3-158684521-C-T. GRCh37 (hg19) VCF-style: chr3-158402310-C-T.
Other names: c.1822-3C>T (NM_001308164.2); c.1540-3C>T (NM_001374357.1); c.1684-3C>T (NM_001374355.1); c.1648-3C>T (NM_001374356.1); c.1198-3C>T (NM_001374359.1, NM_001374360.1); c.1081-3C>T (NM_001374361.1); c.1306-3C>T (NM_001374358.1).
Identifiers: ClinVar variation 1437052 (VCV001437052.6), dbSNP rs2108102413, ClinGen allele CA2573136690.
Genomic context (GRCh38, chr3:158,684,521, plus strand): 5'-TCTTGATAATGTATCTGCAAGTAAAATCCACTCACTCCAGAAGTTGTGTTCATTCATTAA[C>T]AGGGGTTTTTAGATGCCTGCGAGAAGGGCCCTCTTTCTGGTCACAAGCTCTCTGGGCTCC-3'